The following is an entry in ClinVar:

NM_058246.4(DNAJB6):c.478+5T>G

Gene: DNAJB6 (DnaJ heat shock protein family (Hsp40) member B6; plus strand). Cytogenetic location: 7q36.3.
Variant type: single nucleotide variant.
Coding change: c.478+5T>G on transcript NM_058246.4 (MANE Select); 5 bases into the intron after coding-DNA position 478, T replaced by G.
Molecular consequence: intron variant.
Genome position (GRCh38, 1-based): chr7:157,382,382, T>G. VCF-style: chr7-157382382-T-G. GRCh37 (hg19) VCF-style: chr7-157175076-T-G.
Other names: c.346+14899T>G (NM_001363676.1); c.478+5T>G (NM_005494.3).
Identifiers: ClinVar variation 2200693 (VCV002200693.4), dbSNP rs2536085228, ClinGen allele CA2580077771.

ClinVar aggregate classification (germline): Uncertain significance (1 of 4 stars; one submission).

Conditions:
Autosomal dominant limb-girdle muscular dystrophy type 1D (DNAJB6) (LGMDD1). Also called: MUSCULAR DYSTROPHY, LIMB-GIRDLE, TYPE 1D; Autosomal dominant limb-girdle muscular dystrophy type 1D; Muscular dystrophy, limb-girdle, autosomal dominant 1; MUSCULAR DYSTROPHY, AUTOSOMAL DOMINANT, WITH RIMMED VACUOLES. Identifiers: Orphanet 34516, MedGen C4721885, MONDO:0021018, OMIM 603511.

Submission:

Labcorp Genetics (formerly Invitae), Labcorp
Classification: Uncertain significance for Autosomal dominant limb-girdle muscular dystrophy type 1D (DNAJB6). Last evaluated: 2022-04-01. Review status: criteria provided, single submitter. Criteria: Invitae Variant Classification Sherloc (09022015). Collection method: clinical testing. Allele origin: germline.
Comment: In summary, the available evidence is currently insufficient to determine the role of this variant in disease. Therefore, it has been classified as a Variant of Uncertain Significance. Variants that disrupt the consensus splice site are a relatively common cause of aberrant splicing (PMID: 17576681, 9536098). Algorithms developed to predict the effect of sequence changes on RNA splicing suggest that this variant is not likely to affect RNA splicing. This variant has not been reported in the literature in individuals affected with DNAJB6-related conditions. This variant is not present in population databases (gnomAD no frequency). This sequence change falls in intron 6 of the DNAJB6 gene. It does not directly change the encoded amino acid sequence of the DNAJB6 protein. It affects a nucleotide within the consensus splice site.

Literature cited by the submitters: PubMed 17576681; PubMed 9536098.